The following is an entry in ClinVar:

NM_004977.3(KCNC3):c.1453A>T (p.Thr485Ser)

Gene: KCNC3 (potassium voltage-gated channel subfamily C member 3; minus strand). Cytogenetic location: 19q13.33.
Variant type: single nucleotide variant.
Coding change: c.1453A>T on transcript NM_004977.3 (MANE Select); coding-DNA position 1453, A replaced by T.
Protein change: p.Thr485Ser; replaces threonine 485 with serine.
Molecular consequence: missense variant.
Genome position (GRCh38, 1-based): chr19:50,323,500, T>A on the plus strand (A>T on the coding strand, the complement: KCNC3 is on the minus strand). VCF-style: chr19-50323500-T-A. GRCh37 (hg19) VCF-style: chr19-50826757-T-A.
Other names: c.1225A>T, p.Thr409Ser (NM_001372305.1); short protein forms T409S, T485S.
Identifiers: ClinVar variation 4697313 (VCV004697313.1).

ClinVar aggregate classification (germline): Uncertain significance (1 of 4 stars; one submission).

gnomAD v4.1: 2 of 1,613,866 alleles (0.00012%); highest among the groups gnomAD compares: Admixed American, 0.0033%; no homozygotes.

Submission:

Labcorp Genetics (formerly Invitae), Labcorp
Classification: Uncertain significance. Last evaluated: 2025-02-15. Review status: criteria provided, single submitter. Criteria: Invitae Variant Classification Sherloc (09022015). Collection method: clinical testing. Allele origin: germline.
Comment: This sequence change replaces threonine, which is neutral and polar, with serine, which is neutral and polar, at codon 485 of the KCNC3 protein (p.Thr485Ser). This variant is not present in population databases (gnomAD no frequency). This variant has not been reported in the literature in individuals affected with KCNC3-related conditions. Invitae Evidence Modeling of protein sequence and biophysical properties (such as structural, functional, and spatial information, amino acid conservation, physicochemical variation, residue mobility, and thermodynamic stability) indicates that this missense variant is expected to disrupt KCNC3 protein function with a positive predictive value of 95%. In summary, the available evidence is currently insufficient to determine the role of this variant in disease. Therefore, it has been classified as a Variant of Uncertain Significance.